The following is an entry in ClinVar:

NM_000612.6(IGF2):c.418C>T (p.His140Tyr)

Genes: IGF2 (insulin like growth factor 2; minus strand), INS-IGF2 (INS-IGF2 readthrough; minus strand). Cytogenetic location: 11p15.5.
Variant type: single nucleotide variant.
Coding change: c.418C>T on transcript NM_000612.6 (MANE Select); coding-DNA position 418, C replaced by T.
Protein change: p.His140Tyr; replaces histidine 140 with tyrosine.
Molecular consequence: missense variant. On other transcripts: non-coding transcript variant (1).
Genome position (GRCh38, 1-based): chr11:2,133,112, G>A on the plus strand (C>T on the coding strand, the complement: IGF2 is on the minus strand). VCF-style: chr11-2133112-G-A. GRCh37 (hg19) VCF-style: chr11-2154342-G-A.
Other names: c.418C>T, p.His140Tyr (NM_001007139.6, NM_001291861.3, NM_001291862.3); c.586C>T, p.His196Tyr (NM_001127598.3); short protein forms H196Y, H140Y.
Identifiers: ClinVar variation 2807325 (VCV002807325.3), dbSNP rs2495571544, ClinGen allele CA379113182.

ClinVar aggregate classification (germline): Uncertain significance (1 of 4 stars; one submission).

Submission:

Labcorp Genetics (formerly Invitae), Labcorp
Classification: Uncertain significance. Last evaluated: 2023-06-10. Review status: criteria provided, single submitter. Criteria: Invitae Variant Classification Sherloc (09022015). Collection method: clinical testing. Allele origin: germline.
Comment: In summary, the available evidence is currently insufficient to determine the role of this variant in disease. Therefore, it has been classified as a Variant of Uncertain Significance. An algorithm developed to predict the effect of missense changes on protein structure and function (PolyPhen-2) suggests that this variant is likely to be tolerated. This variant has not been reported in the literature in individuals affected with IGF2-related conditions. This variant is not present in population databases (gnomAD no frequency). This sequence change replaces histidine, which is basic and polar, with tyrosine, which is neutral and polar, at codon 140 of the IGF2 protein (p.His140Tyr).